The following is an entry in ClinVar:

NM_001145252.3(CFP):c.1177C>G (p.Pro393Ala)

Gene: CFP (complement factor properdin; minus strand). Cytogenetic location: Xp11.23.
Variant type: single nucleotide variant.
Coding change: c.1177C>G on transcript NM_001145252.3 (MANE Select); coding-DNA position 1177, C replaced by G.
Protein change: p.Pro393Ala; replaces proline 393 with alanine.
Molecular consequence: missense variant.
Genome position (GRCh38, 1-based): chrX:47,626,125, G>C on the plus strand (C>G on the coding strand, the complement: CFP is on the minus strand). VCF-style: chrX-47626125-G-C. GRCh37 (hg19) VCF-style: chrX-47485524-G-C.
Other names: c.1177C>G, p.Pro393Ala (NM_002621.2); short protein forms P393A.
Identifiers: ClinVar variation 2843984 (VCV002843984.3), dbSNP rs2519716163, ClinGen allele CA412834813.
Genomic context (GRCh38, chrX:47,626,125, plus strand): 5'-TGGGGAGCAAGGGTGTGCAGAGGCGCTGGCGGGCACGGGTAGGATTAGGTCCACAGGGGG[G>C]CATGCACAGCCCCCAGGTACTCCACTCTGACCATGATCCTTTCACTGCAATGAGGGGTAG-3'
Protein context (NP_001138724.1, residues 383-403): SEWSTWGLCM[Pro393Ala]PCGPNPTRAR

ClinVar aggregate classification (germline): Uncertain significance (1 of 4 stars; one submission).

gnomAD v4.1: 1 of 1,179,006 alleles (0.000085%); highest among the groups gnomAD compares: East Asian, 0.0031%; no homozygotes.

Submission:

Labcorp Genetics (formerly Invitae), Labcorp
Classification: Uncertain significance. Last evaluated: 2023-03-08. Review status: criteria provided, single submitter. Criteria: Invitae Variant Classification Sherloc (09022015). Collection method: clinical testing. Allele origin: germline.
Comment: An algorithm developed to predict the effect of missense changes on protein structure and function (PolyPhen-2) suggests that this variant is likely to be disruptive. In summary, the available evidence is currently insufficient to determine the role of this variant in disease. Therefore, it has been classified as a Variant of Uncertain Significance. This sequence change replaces proline, which is neutral and non-polar, with alanine, which is neutral and non-polar, at codon 393 of the CFP protein (p.Pro393Ala). This variant has not been reported in the literature in individuals affected with CFP-related conditions. This variant is not present in population databases (gnomAD no frequency).